The following is an entry in ClinVar:

NM_007255.3(B4GALT7):c.226C>T (p.Pro76Ser)

Gene: B4GALT7 (beta-1,4-galactosyltransferase 7; plus strand). Cytogenetic location: 5q35.3.
Variant type: single nucleotide variant.
Coding change: c.226C>T on transcript NM_007255.3 (MANE Select); coding-DNA position 226, C replaced by T.
Protein change: p.Pro76Ser; replaces proline 76 with serine.
Molecular consequence: missense variant.
Genome position (GRCh38, 1-based): chr5:177,604,354, C>T. VCF-style: chr5-177604354-C-T. GRCh37 (hg19) VCF-style: chr5-177031355-C-T.
Other names: short protein forms P76S.
Identifiers: ClinVar variation 4797018 (VCV004797018.1).
Genomic context (GRCh38, chr5:177,604,354, plus strand): 5'-GACGTGGCCCGGGCAGTCAGGGGACAAGGGCAGGAGACCTCGGGCCCTCCCCGTGCCTGC[C>T]CCCCAGAGCCGCCCCCTGAGCACTGGGAAGAAGACGCATCCTGGGGCCCCCACCGCCTGG-3'
Protein context (NP_009186.1, residues 66-86): QETSGPPRAC[Pro76Ser]PEPPPEHWEE

ClinVar aggregate classification (germline): Uncertain significance (1 of 4 stars; one submission).

Conditions:
Spondylodysplastic Ehlers-Danlos syndrome. Identifiers: Orphanet 536471, Orphanet 75496, MedGen C5680154, MONDO:0007526.

gnomAD v4.1: 7 of 1,611,970 alleles (0.00043%); highest among the groups gnomAD compares: Admixed American, 0.0033%; no homozygotes.

Submission:

Labcorp Genetics (formerly Invitae), Labcorp
Classification: Uncertain significance for Spondylodysplastic Ehlers-Danlos syndrome. Last evaluated: 2025-09-22. Review status: criteria provided, single submitter. Criteria: Invitae Variant Classification Sherloc (09022015). Collection method: clinical testing. Allele origin: germline.
Comment: This sequence change replaces proline, which is neutral and non-polar, with serine, which is neutral and polar, at codon 76 of the B4GALT7 protein (p.Pro76Ser). The frequency data for this variant in the population databases is considered unreliable, as metrics indicate poor data quality at this position in the gnomAD database. This variant has not been reported in the literature in individuals affected with B4GALT7-related conditions. Invitae Evidence Modeling of protein sequence and biophysical properties (such as structural, functional, and spatial information, amino acid conservation, physicochemical variation, residue mobility, and thermodynamic stability) indicates that this missense variant is not expected to disrupt B4GALT7 protein function with a negative predictive value of 80%. In summary, the available evidence is currently insufficient to determine the role of this variant in disease. Therefore, it has been classified as a Variant of Uncertain Significance.